The following is an entry in ClinVar:

NM_001003694.2(BRPF1):c.683T>C (p.Met228Thr)

Gene: BRPF1 (bromodomain and PHD finger containing 1; plus strand). Cytogenetic location: 3p25.3.
Variant type: single nucleotide variant.
Coding change: c.683T>C on transcript NM_001003694.2 (MANE Select); coding-DNA position 683, T replaced by C.
Protein change: p.Met228Thr; replaces methionine 228 with threonine.
Molecular consequence: missense variant. On other transcripts: non-coding transcript variant (1).
Genome position (GRCh38, 1-based): chr3:9,739,082, T>C. VCF-style: chr3-9739082-T-C. GRCh37 (hg19) VCF-style: chr3-9780766-T-C.
Other names: c.683T>C, p.Met228Thr (NM_001319049.2, NM_001319050.2, NM_001410704.1 and 7 more transcripts); short protein forms M228T.
Identifiers: ClinVar variation 4882158 (VCV004882158.2).

ClinVar aggregate classification (germline): Uncertain significance (1 of 4 stars; one submission).

gnomAD v4.1: 1 of 1,613,478 alleles (0.000062%); highest among the groups gnomAD compares: Non-Finnish European, 0.000085%; no homozygotes.

Submission:

Dasa
Classification: Uncertain significance. Last evaluated: 2025-08-24. Review status: criteria provided, single submitter. Criteria: DASA Assertion Criteria. Collection method: clinical testing. Allele origin: germline.
Comment: NM_001003694.2(BRPF1):c.683T>C (p.Met228Thr) is a missense variant that results in the substitution of methionine with threonine. This variant is rare in population databases. The currently available literature and clinical evidence are not sufficient to establish a definitive association between this variant and the reported condition. Therefore, this variant is classified as a variant of uncertain significance.